The following is an entry in ClinVar:

NM_000051.4(ATM):c.4310G>A (p.Arg1437Lys)

Gene: ATM (ATM serine/threonine kinase; plus strand). Cytogenetic location: 11q22.3.
Variant type: single nucleotide variant.
Coding change: c.4310G>A on transcript NM_000051.4 (MANE Select); coding-DNA position 4310, G replaced by A.
Protein change: p.Arg1437Lys; replaces arginine 1437 with lysine.
Molecular consequence: missense variant.
Genome position (GRCh38, 1-based): chr11:108,289,675, G>A. VCF-style: chr11-108289675-G-A. GRCh37 (hg19) VCF-style: chr11-108160402-G-A.
Other names: c.4310G>A, p.Arg1437Lys (NM_001351834.2); short protein forms R1437K.
Identifiers: ClinVar variation 551201 (VCV000551201.6), dbSNP rs1227046364, ClinGen allele CA382531701.

ClinVar aggregate classification (germline): Uncertain significance. Review status: criteria provided, multiple submitters, no conflicts (2 of 4 stars). 3 submissions from 3 submitters: Uncertain significance (2). 1 of the submissions does not count toward it. Last evaluated 2024-04-05.

Conditions:
Hereditary cancer-predisposing syndrome. Also called: Hereditary Cancer Syndrome; Hereditary neoplastic syndrome; Neoplastic Syndromes, Hereditary; Tumor predisposition. Identifiers: Orphanet 140162, MedGen C0027672, MeSH D009386, MONDO:0015356.
Ataxia-telangiectasia syndrome (AT). Also called: Ataxia-telangiectasia, complementation group D; AT, COMPLEMENTATION GROUP C; Ataxia-telangiectasia, complementation group E; LOUIS-BAR SYNDROME; Cerebello-oculocutaneous telangiectasia; Immunodeficiency with ataxia telangiectasia. Identifiers: Orphanet 100, MedGen C0004135, MONDO:0008840, OMIM 208900.

Allele frequency attached by ClinVar (database versions not stated): gnomAD exomes below 0.00001.

Submissions (3):

Labcorp Genetics (formerly Invitae), Labcorp
Classification: Uncertain significance for Ataxia-telangiectasia syndrome. Last evaluated: 2024-04-05. Review status: criteria provided, single submitter. Criteria: Invitae Variant Classification Sherloc (09022015). Collection method: clinical testing. Allele origin: germline.
Comment: This sequence change replaces arginine, which is basic and polar, with lysine, which is basic and polar, at codon 1437 of the ATM protein (p.Arg1437Lys). This variant is present in population databases (no rsID available, gnomAD 0.003%). This missense change has been observed in individual(s) with ATM-related conditions (PMID: 19781682). ClinVar contains an entry for this variant (Variation ID: 551201). An algorithm developed to predict the effect of missense changes on protein structure and function (PolyPhen-2) suggests that this variant is likely to be tolerated. In summary, the available evidence is currently insufficient to determine the role of this variant in disease. Therefore, it has been classified as a Variant of Uncertain Significance.

Ambry Genetics
Classification: Uncertain significance for Hereditary cancer-predisposing syndrome. Last evaluated: 2023-12-12. Review status: criteria provided, single submitter. Criteria: Ambry Variant Classification Scheme 2023. Collection method: clinical testing. Allele origin: germline.
Comment: The p.R1437K variant (also known as c.4310G>A), located in coding exon 28 of the ATM gene, results from a G to A substitution at nucleotide position 4310. The arginine at codon 1437 is replaced by lysine, an amino acid with highly similar properties. This variant was reported in 1/4112 breast cancer cases and 0/2399 controls (Tavtigian SV et al. Am J Hum Genet, 2009 Oct;85:427-46). This amino acid position is highly conserved in available vertebrate species. In addition, the in silico prediction for this alteration is inconclusive. Since supporting evidence is limited at this time, the clinical significance of this alteration remains unclear.

Counsyl
Classification: Uncertain significance for Ataxia-telangiectasia syndrome. Last evaluated: 2017-03-21. Review status: no assertion criteria provided. Collection method: clinical testing. Allele origin: unknown. Not counted in ClinVar's aggregate classification.

Literature cited by the submitters: PubMed 19781682 (cited by Labcorp Genetics (formerly Invitae), Labcorp and Ambry Genetics).